The following is an entry in ClinVar:

NM_015443.4(KANSL1):c.2020+19T>C

Gene: KANSL1 (KAT8 regulatory NSL complex subunit 1). Cytogenetic location: 17q21.31.
Variant type: single nucleotide variant.
Coding change: c.2020+19T>C on transcript NM_015443.4 (MANE Select); 19 bases into the intron after coding-DNA position 2020, T replaced by C.
Molecular consequence: intron variant.
Genome position (GRCh38, 1-based): chr17:46,050,514, A>G on the plus strand (T>C on the coding strand, the complement: KANSL1 is on the minus strand). VCF-style: chr17-46050514-A-G. GRCh37 (hg19) VCF-style: chr17-44127880-A-G.
Other names: c.2020+19T>C (NM_001193465.2, NM_001379198.1, NM_001193466.2).
Identifiers: ClinVar variation 513699 (VCV000513699.1), dbSNP rs1030510609, ClinGen allele CA291111992.

ClinVar aggregate classification (germline): Likely benign (1 of 4 stars; one submission).

Allele frequency attached by ClinVar (database versions not stated): gnomAD exomes below 0.00001 and 0.00001; TOPMed 0.00001.
gnomAD v4.1: 9 of 1,611,878 alleles (0.00056%); highest among the groups gnomAD compares: Non-Finnish European, 0.00076%; no homozygotes.

Submission:

GeneDx
Classification: Likely benign. Last evaluated: 2017-12-04. Review status: criteria provided, single submitter. Criteria: GeneDx Variant Classification (06012015). Collection method: clinical testing. Allele origin: germline. Affected: yes.
Comment: This variant is considered likely benign or benign based on one or more of the following criteria: it is a conservative change, it occurs at a poorly conserved position in the protein, it is predicted to be benign by multiple in silico algorithms, and/or has population frequency not consistent with disease.